The following is an entry in ClinVar:

ClinVar aggregate classification (germline): Likely benign. Review status: criteria provided, multiple submitters, no conflicts (2 of 4 stars). 4 submissions from 4 submitters: Likely benign (4). Last evaluated 2026-06-10.

Conditions:
SETX-related disorder. Also called: SETX-related disorders; SETX-related condition. Identifiers: MedGen CN239403.
Spinocerebellar ataxia, autosomal recessive, with axonal neuropathy 2 (SCAN2). Also called: Ataxia with Oculomotor Apraxia; Ataxia with Oculomotor Apraxia Type 2; Ataxia-ocular apraxia-2; ATAXIA-OCULOMOTOR APRAXIA 2. Identifiers: Orphanet 64753, MedGen C1853761, MONDO:0018996, OMIM 606002.
Amyotrophic lateral sclerosis type 4 (ALS4). Also called: NEURONOPATHY, DISTAL HEREDITARY MOTOR, WITH PYRAMIDAL FEATURES; AMYOTROPHIC LATERAL SCLEROSIS 4, JUVENILE. Identifiers: Orphanet 357043, MedGen C1865409, MONDO:0011223, OMIM 602433.

Allele frequency attached by ClinVar (database versions not stated): gnomAD 0.00010 and 0.00009; TOPMed 0.00012; ESP Exome Variant Server 0.00023; gnomAD exomes 0.00001; ExAC 0.00002.
gnomAD v4.1: 25 of 1,614,094 alleles (0.0015%); highest among the groups gnomAD compares: African/African-American, 0.029%; no homozygotes.

Submissions (4):

Women's Health and Genetics/Laboratory Corporation of America, LabCorp
Classification: Likely benign. Last evaluated: 2026-06-10. Review status: criteria provided, single submitter. Criteria: LabCorp Variant Classification Summary - May 2015. Collection method: clinical testing. Allele origin: germline.

PreventionGenetics, part of Exact Sciences
Classification: Likely benign for SETX-related condition. Last evaluated: 2026-01-05. Review status: criteria provided, single submitter. Criteria: ACMG Guidelines, 2015. Collection method: clinical testing. Allele origin: germline.
Comment: This variant is classified as likely benign based on ACMG/AMP sequence variant interpretation guidelines (Richards et al. 2015 PMID: 25741868, with internal and published modifications).

Athena Diagnostics
Classification: Likely benign. Last evaluated: 2024-11-22. Review status: criteria provided, single submitter. Criteria: Athena Diagnostics Criteria. Collection method: clinical testing. Allele origin: unknown.

Labcorp Genetics (formerly Invitae), Labcorp
Classification: Likely benign for Amyotrophic lateral sclerosis type 4; Spinocerebellar ataxia, autosomal recessive, with axonal neuropathy 2. Last evaluated: 2024-04-03. Review status: criteria provided, single submitter. Criteria: Invitae Variant Classification Sherloc (09022015). Collection method: clinical testing. Allele origin: germline.

NM_015046.7(SETX):c.7926G>A (p.Glu2642=)

Gene: SETX (senataxin; minus strand). Cytogenetic location: 9q34.13.
Variant type: single nucleotide variant.
Coding change: c.7926G>A on transcript NM_015046.7 (MANE Select); coding-DNA position 7926, G replaced by A.
Protein change: p.Glu2642=; no amino-acid change (glutamic acid 2642 retained).
Molecular consequence: synonymous variant.
Genome position (GRCh38, 1-based): chr9:132,264,347, C>T on the plus strand (G>A on the coding strand, the complement: SETX is on the minus strand). VCF-style: chr9-132264347-C-T. GRCh37 (hg19) VCF-style: chr9-135139734-C-T.
Other names: c.7926G>A, p.Glu2642= (NM_001351527.2); c.8013G>A, p.Glu2671= (NM_001351528.2).
Identifiers: ClinVar variation 706312 (VCV000706312.12), dbSNP rs147986724, ClinGen allele CA5296288.
Genomic context (GRCh38, chr9:132,264,347, plus strand): 5'-CCTCTTGTCCCACCTAGAGTTCCTCCTGGTGTGATGGGTCTCGGAACCACACTTCTCCTG[C>T]TCCCCTTCACTGAAAGCCCTGGCCTCTCTCCTGTGACAGAGCTCCTCTTCCGGGTCATCA-3'
Protein context (NP_055861.3, residues 2632-2652): RREARAFSEG[Glu2642=]QEKCGSETHH